The following is an entry in ClinVar:

ClinVar aggregate classification (germline): Likely benign. Review status: criteria provided, multiple submitters, no conflicts (2 of 4 stars). 2 submissions from 2 submitters: Likely benign (2). Last evaluated 2026-01-06.

Conditions:
COL18A1-related disorder. Also called: COL18A1-related condition; COL18A1-related disorders.

Allele frequency attached by ClinVar (database versions not stated): ESP Exome Variant Server 0.00008; 1000 Genomes Project 0.00020; 1000 Genomes Project 30x 0.00031.
gnomAD v4.1: 57 of 1,605,840 alleles (0.0035%); highest among the groups gnomAD compares: African/African-American, 0.032%; no homozygotes.

Submissions (2):

Labcorp Genetics (formerly Invitae), Labcorp
Classification: Likely benign. Last evaluated: 2026-01-06. Review status: criteria provided, single submitter. Criteria: Invitae Variant Classification Sherloc (09022015). Collection method: clinical testing. Allele origin: germline.

PreventionGenetics, part of Exact Sciences
Classification: Likely benign for COL18A1-related condition. Last evaluated: 2025-03-26. Review status: criteria provided, single submitter. Criteria: ACMG Guidelines, 2015. Collection method: clinical testing. Allele origin: germline.
Comment: This variant is classified as likely benign based on ACMG/AMP sequence variant interpretation guidelines (Richards et al. 2015 PMID: 25741868, with internal and published modifications).

NM_001379500.1(COL18A1):c.3672C>T (p.Ala1224=)

Genes: SLC19A1 (solute carrier family 19 member 1; minus strand), COL18A1 (collagen type XVIII alpha 1 chain; plus strand). Cytogenetic location: 21q22.3.
Variant type: single nucleotide variant.
Coding change: c.3672C>T on transcript NM_001379500.1 (MANE Select); coding-DNA position 3672, C replaced by T.
Protein change: p.Ala1224=; no amino-acid change (alanine 1224 retained).
Molecular consequence: synonymous variant.
Genome position (GRCh38, 1-based): chr21:45,510,240, C>T. VCF-style: chr21-45510240-C-T. GRCh37 (hg19) VCF-style: chr21-46930154-C-T.
Other names: c.4203C>T (NM_030582.3); c.4203C>T, p.Ala1401= (NM_030582.4); c.4908C>T, p.Ala1636= (NM_130444.3).
Identifiers: ClinVar variation 1568656 (VCV001568656.9), dbSNP rs369895316, ClinGen allele CA10068000.